The following is an entry in ClinVar:

ClinVar aggregate classification (germline): Uncertain significance (1 of 4 stars; one submission).

Allele frequency attached by ClinVar (database versions not stated): gnomAD exomes 0.00029; ExAC 0.00039; 1000 Genomes Project 30x 0.00078; 1000 Genomes Project 0.00080; gnomAD 0.00113 and 0.00124; TOPMed 0.00117; ESP Exome Variant Server 0.00146.
gnomAD v4.1: 353 of 1,613,328 alleles (0.022%); highest among the groups gnomAD compares: African/African-American, 0.39%; 1 homozygote.

Submission:

Center for Genomics, Ann and Robert H. Lurie Children's Hospital of Chicago
Classification: Uncertain significance. Last evaluated: 2021-03-30. Review status: criteria provided, single submitter. Criteria: ACMG Guidelines, 2015. Collection method: clinical testing. Allele origin: germline.
Comment: SELP NM_003005.3 exon 9 p.Ser500Phe (c.1499C>T): This variant has not been reported in the literature but is present in 0.3% (93/24910) of African alleles in the Genome Aggregation Database. Evolutionary conservation suggests that this variant may not impact the protein; computational predictive tools for this variant are unclear. In summary, data on this variant is insufficient for disease classification. Therefore, the clinical significance of this variant is uncertain.

NM_003005.4(SELP):c.1499C>T (p.Ser500Phe)

Gene: SELP (selectin P; minus strand). Cytogenetic location: 1q24.2.
Variant type: single nucleotide variant.
Coding change: c.1499C>T on transcript NM_003005.4 (MANE Select); coding-DNA position 1499, C replaced by T.
Protein change: p.Ser500Phe; replaces serine 500 with phenylalanine.
Molecular consequence: missense variant.
Genome position (GRCh38, 1-based): chr1:169,606,969, G>A on the plus strand (C>T on the coding strand, the complement: SELP is on the minus strand). VCF-style: chr1-169606969-G-A. GRCh37 (hg19) VCF-style: chr1-169576207-G-A.
Other names: short protein forms S500F.
Identifiers: ClinVar variation 992521 (VCV000992521.2), dbSNP rs6130, ClinGen allele CA1235121.
Genomic context (GRCh38, chr1:169,606,969, plus strand): 5'-ACAATTTATTTCCATGATGTTAGAAAGAATACACTCTTACCTTGGCATTCTGGAGGAACA[G>A]AATTCCAGTTTCCAGTAGCCAAGCACTGTAGCACACTTGCTCCCACCAGGAGCAAGCCTT-3'
Protein context (NP_002996.2, residues 490-510): LQCLATGNWN[Ser500Phe]VPPECQAIPC